The following is an entry in ClinVar:

NM_001849.4(COL6A2):c.1116+200G>A

Gene: COL6A2 (collagen type VI alpha 2 chain; plus strand). Cytogenetic location: 21q22.3.
Variant type: single nucleotide variant.
Coding change: c.1116+200G>A on transcript NM_001849.4 (MANE Select); 200 bases into the intron after coding-DNA position 1116, G replaced by A.
Molecular consequence: intron variant.
Genome position (GRCh38, 1-based): chr21:46,118,136, G>A. VCF-style: chr21-46118136-G-A. GRCh37 (hg19) VCF-style: chr21-47538050-G-A.
Other names: c.1116+200G>A (NM_058175.3, NM_058174.3).
Identifiers: ClinVar variation 679212 (VCV000679212.2), dbSNP rs7279535, ClinGen allele CA14865401.

ClinVar aggregate classification (germline): Benign. Review status: criteria provided, multiple submitters, no conflicts (2 of 4 stars). 2 submissions from 2 submitters: Benign (2). Last evaluated 2018-06-14.

Allele frequency attached by ClinVar (database versions not stated): 1000 Genomes Project 30x 0.71752; 1000 Genomes Project 0.72105; gnomAD 0.72654 and 0.72676; TOPMed 0.73175.
gnomAD v4.1: 110,414 of 151,884 alleles (73%); highest among the groups gnomAD compares: East Asian, 82%; 40,298 homozygotes.

Submissions (2):

GeneDx
Classification: Benign. Last evaluated: 2018-06-14. Review status: criteria provided, single submitter. Criteria: GeneDx Variant Classification (06012015). Collection method: clinical testing. Allele origin: germline. Affected: yes.
Comment: This variant is considered likely benign or benign based on one or more of the following criteria: it is a conservative change, it occurs at a poorly conserved position in the protein, it is predicted to be benign by multiple in silico algorithms, and/or has population frequency not consistent with disease.

Breakthrough Genomics
Classification: Benign. Review status: criteria provided, single submitter. Criteria: ACMG Guidelines, 2015. Collection method: not provided. Allele origin: germline. Inheritance: Autosomal recessive inheritance. Affected: yes.